The following is an entry in ClinVar:

NM_000124.4(ERCC6):c.463G>T (p.Glu155Ter)

Gene: ERCC6 (ERCC excision repair 6, chromatin remodeling factor; minus strand). Cytogenetic location: 10q11.23.
Variant type: single nucleotide variant.
Coding change: c.463G>T on transcript NM_000124.4 (MANE Select); coding-DNA position 463, G replaced by T.
Protein change: p.Glu155Ter; replaces glutamic acid 155 with a stop codon.
Molecular consequence: nonsense.
Genome position (GRCh38, 1-based): chr10:49,530,800, C>A on the plus strand (G>T on the coding strand, the complement: ERCC6 is on the minus strand). VCF-style: chr10-49530800-C-A. GRCh37 (hg19) VCF-style: chr10-50738846-C-A.
Other names: c.463G>T, p.Glu155Ter (NM_001277058.2, NM_001277059.2, NM_001346440.2); short protein forms E155*.
Identifiers: ClinVar variation 1725196 (VCV001725196.2), dbSNP rs755905226, ClinGen allele CA376710570.

ClinVar aggregate classification (germline): Likely pathogenic (1 of 4 stars; one submission).

Conditions:
Cockayne syndrome type 2 (CSB). Also called: COCKAYNE SYNDROME B; Cockayne Syndrome, Type II. Identifiers: Orphanet 191, Orphanet 90322, MedGen C0751038, MONDO:0019570, OMIM 133540.

Submission:

Myriad Genetics, Inc.
Classification: Likely pathogenic for Cockayne syndrome type 2. Last evaluated: 2022-03-14. Review status: criteria provided, single submitter. Criteria: Myriad Women's Health Autosomal Recessive and X-Linked Classification Criteria (2021). Collection method: clinical testing. Allele origin: unknown.
Comment: NM_000124.2(ERCC6):c.463G>T(E155*) is expected to be pathogenic in the context of ERCC6-related disorders. This variant is predicted to lead to an abnormal or absent protein product due to the creation of a premature termination codon in ERCC6, a gene where loss-of-function variants are known to be pathogenic. Please note: this variant was assessed in the context of healthy population screening.